The following is an entry in ClinVar:

NM_033087.4(ALG2):c.236T>C (p.Leu79Pro)

Gene: ALG2 (ALG2 alpha-1,3/1,6-mannosyltransferase; minus strand). Cytogenetic location: 9q22.33.
Variant type: single nucleotide variant.
Coding change: c.236T>C on transcript NM_033087.4 (MANE Select); coding-DNA position 236, T replaced by C.
Protein change: p.Leu79Pro; replaces leucine 79 with proline.
Molecular consequence: missense variant. On other transcripts: non-coding transcript variant (1).
Genome position (GRCh38, 1-based): chr9:99,221,659, A>G on the plus strand (T>C on the coding strand, the complement: ALG2 is on the minus strand). VCF-style: chr9-99221659-A-G. GRCh37 (hg19) VCF-style: chr9-101983941-A-G.
Other names: short protein forms L79P.
Identifiers: ClinVar variation 568332 (VCV000568332.8), dbSNP rs1564222174, ClinGen allele CA374231716.

ClinVar aggregate classification (germline): Uncertain significance (1 of 4 stars; one submission).

Conditions:
Congenital myasthenic syndrome 14. Also called: Myasthenic syndrome, congenital, 14, with tubular aggregates. Identifiers: Orphanet 353327, Orphanet 590, MedGen C4015597, MONDO:0014543, OMIM 616228.
Congenital disorder of glycosylation, type Ii. Also called: ALG2-congenital disorder of glycosylation; ALG2-CDG; CDG Ii. Identifiers: Orphanet 79326, MedGen C1842836, MONDO:0011933, OMIM 607906.

Allele frequency attached by ClinVar (database versions not stated): gnomAD exomes below 0.00001.
gnomAD v4.1: 1 of 1,548,222 alleles (0.000065%); highest among the groups gnomAD compares: Admixed American, 0.0019%; no homozygotes.

Submission:

Labcorp Genetics (formerly Invitae), Labcorp
Classification: Uncertain significance for Congenital disorder of glycosylation, type Ii; Congenital myasthenic syndrome 14. Last evaluated: 2022-08-31. Review status: criteria provided, single submitter. Criteria: Invitae Variant Classification Sherloc (09022015). Collection method: clinical testing. Allele origin: germline.
Comment: This sequence change replaces leucine, which is neutral and non-polar, with proline, which is neutral and non-polar, at codon 79 of the ALG2 protein (p.Leu79Pro). In summary, the available evidence is currently insufficient to determine the role of this variant in disease. Therefore, it has been classified as a Variant of Uncertain Significance. Algorithms developed to predict the effect of missense changes on protein structure and function are either unavailable or do not agree on the potential impact of this missense change (SIFT: "Deleterious"; PolyPhen-2: "Probably Damaging"; Align-GVGD: "Class C15"). ClinVar contains an entry for this variant (Variation ID: 568332). This variant has not been reported in the literature in individuals affected with ALG2-related conditions. This variant is not present in population databases (gnomAD no frequency).